The following is an entry in ClinVar:

NM_031308.4(EPPK1):c.6059A>G (p.Gln2020Arg)

Gene: EPPK1 (epiplakin 1; minus strand). Cytogenetic location: 8q24.3.
Variant type: single nucleotide variant.
Coding change: c.6059A>G on transcript NM_031308.4 (MANE Select); coding-DNA position 6059, A replaced by G.
Protein change: p.Gln2020Arg; replaces glutamine 2020 with arginine.
Molecular consequence: missense variant.
Genome position (GRCh38, 1-based): chr8:143,867,195, T>C on the plus strand (A>G on the coding strand, the complement: EPPK1 is on the minus strand). VCF-style: chr8-143867195-T-C. GRCh37 (hg19) VCF-style: chr8-144941363-T-C.
Other names: short protein forms Q2020R.
Identifiers: ClinVar variation 2629933 (VCV002629933.1), dbSNP rs2130622650, ClinGen allele CA372486477.

ClinVar aggregate classification (germline): Uncertain significance (1 of 4 stars; one submission).

Conditions:
EPPK1-related disorder. Also called: EPPK1-related condition.

Allele frequency attached by ClinVar (database versions not stated): gnomAD exomes 0.00001.
gnomAD v4.1: 5 of 1,612,734 alleles (0.00031%); highest among the groups gnomAD compares: East Asian, 0.011%; no homozygotes.

Submission:

PreventionGenetics, part of Exact Sciences
Classification: Uncertain significance for EPPK1-related condition. Last evaluated: 2023-01-15. Review status: criteria provided, single submitter. Criteria: ACMG Guidelines, 2015. Collection method: clinical testing. Allele origin: germline.
Comment: The EPPK1 c.6059A>G variant is predicted to result in the amino acid substitution p.Gln2020Arg. To our knowledge, this variant has not been reported in the literature or in a large population database, indicating this variant is rare. At this time, the clinical significance of this variant is uncertain due to the absence of conclusive functional and genetic evidence.